The following is an entry in ClinVar:

ClinVar aggregate classification (germline): Likely pathogenic (0 of 4 stars; one submission).

Conditions:
GIGYF1-related disorder. Also called: GIGYF1-related condition.

Submission:

PreventionGenetics, part of Exact Sciences
Classification: Likely pathogenic for GIGYF1-related condition. Last evaluated: 2023-12-07. Review status: no assertion criteria provided. Collection method: clinical testing. Allele origin: germline.
Comment: The GIGYF1 c.671_680del10 variant is predicted to result in a frameshift and premature protein termination (p.Asp224Alafs*118). To our knowledge, this variant has not been reported in the literature or in a large population database, indicating this variant is rare. Frameshift variants in GIGYF1 are expected to be pathogenic (see, for example, Chen et al. 2022. PubMed ID: 35917186). This variant is interpreted as likely pathogenic.

NM_001375765.1(GIGYF1):c.671_680del (p.Asp224fs)

Gene: GIGYF1 (GRB10 interacting GYF protein 1; minus strand). Cytogenetic location: 7q22.1.
Variant type: Deletion.
Coding change: c.671_680del on transcript NM_001375765.1 (MANE Select); coding-DNA positions 671 to 680, 10 bases deleted (ACCGCTGGCG; older notation c.671_680delACCGCTGGCG).
Protein change: p.Asp224fs; shifts the reading frame from aspartic acid 224.
Molecular consequence: frameshift variant. On other transcripts: non-coding transcript variant (1).
Genome position (GRCh38, 1-based): chr7:100,686,663-100,686,672, CGCCAGCGGT deleted on the plus strand (ACCGCTGGCG on the coding strand, the reverse complement: GIGYF1 is on the minus strand); deleting any 10 consecutive bases within chr7:100,686,663-100,686,676 gives the same sequence; the c. name uses the placement nearest the transcript's 3' end. VCF-style (leftmost placement, unchanged base first): chr7-100686662-GCGCCAGCGGT-G. GRCh37 (hg19) VCF-style: chr7-100284285-GCGCCAGCGGT-G.
Other names: NM_022574.4:c.671_680del10; c.671_680del, p.Asp224fs (NM_001375759.1, NM_001375760.1, NM_001375761.1 and 6 more transcripts); short protein forms D224fs.
Identifiers: ClinVar variation 3030657 (VCV003030657.2), dbSNP rs2486270150, ClinGen allele CA2740097430.
Genomic context (GRCh38, chr7:100,686,662, plus strand): 5'-TCCTGCTCCCCACTGCCCCCGCCAATGCTACCAGGCCCCAATCTCACCAGGGCTGGCGGA[GCGCCAGCGGT>G]CGCCGTCTCGCCGGGGCCCTGCTCCGAGCCTCCAGCTGCCCTCCTCCTCCTCCTCCTGTT-3'